The following is an entry in ClinVar:

ClinVar aggregate classification (germline): Uncertain significance. Review status: criteria provided, multiple submitters, no conflicts (2 of 4 stars). 4 submissions from 4 submitters: Uncertain significance (4). Last evaluated 2026-01-12.

Conditions:
Epidermolysis bullosa simplex 5C, with pyloric atresia (EBS5C). Also called: PLEC-Related Epidermolysis Bullosa with Pyloric Atresia; Epidermolysis bullosa simplex with pyloric atresia; PLEC1-Related Epidermolysis Bullosa with Pyloric Atresia. Identifiers: Orphanet 158684, MedGen C2677349, MONDO:0012807, OMIM 612138.
Epidermolysis bullosa simplex 5B, with muscular dystrophy (EBS5B). Also called: EPIDERMOLYSIS BULLOSA SIMPLEX AND LIMB-GIRDLE MUSCULAR DYSTROPHY; Epidermolysis bullosa simplex with muscular dystrophy. Identifiers: Orphanet 257, MedGen C2931072, MONDO:0009181, OMIM 226670.
Autosomal recessive limb-girdle muscular dystrophy type 2Q (LGMDR17). Also called: MUSCULAR DYSTROPHY, LIMB-GIRDLE, AUTOSOMAL RECESSIVE 17. Identifiers: Orphanet 254361, MedGen C3150989, MONDO:0013390, OMIM 613723.
Epidermolysis bullosa simplex with nail dystrophy (EBS5D). Identifiers: MedGen C4225309, MONDO:0014661, OMIM 616487.
Epidermolysis bullosa simplex, Ogna type (EBS5A). Also called: Pidermolysis bullosa simplex 5A, Ogna type; EPIDERMOLYSIS BULLOSA SIMPLEX 5A, OGNA TYPE. Identifiers: Orphanet 79401, MedGen C0432317, MONDO:0007555, OMIM 131950.
Inborn genetic diseases. Identifiers: MedGen C0950123, MeSH D030342.

Allele frequency attached by ClinVar (database versions not stated): gnomAD exomes 0.00004 and 0.00007; TOPMed 0.00004; ExAC 0.00007; gnomAD 0.00009 and 0.00010.
gnomAD v4.1: 70 of 1,605,900 alleles (0.0044%); highest among the groups gnomAD compares: South Asian, 0.011%; no homozygotes.

Submissions (4):

Labcorp Genetics (formerly Invitae), Labcorp
Classification: Uncertain significance for Autosomal recessive limb-girdle muscular dystrophy type 2Q; Epidermolysis bullosa simplex, Ogna type; Epidermolysis bullosa simplex with nail dystrophy; Epidermolysis bullosa simplex 5C, with pyloric atresia; Epidermolysis bullosa simplex 5B, with muscular dystrophy. Last evaluated: 2026-01-12. Review status: criteria provided, single submitter. Criteria: Invitae Variant Classification Sherloc (09022015). Collection method: clinical testing. Allele origin: germline.
Comment: This sequence change replaces alanine, which is neutral and non-polar, with valine, which is neutral and non-polar, at codon 2304 of the PLEC protein (p.Ala2304Val). This variant is present in population databases (rs781888752, gnomAD 0.03%). This variant has not been reported in the literature in individuals affected with PLEC-related conditions. ClinVar contains an entry for this variant (Variation ID: 497050). An algorithm developed to predict the effect of missense changes on protein structure and function (PolyPhen-2) suggests that this variant is likely to be disruptive. In summary, the available evidence is currently insufficient to determine the role of this variant in disease. Therefore, it has been classified as a Variant of Uncertain Significance.

CeGaT Center for Human Genetics Tuebingen
Classification: Uncertain significance. Last evaluated: 2025-04-01. Review status: criteria provided, single submitter. Criteria: CeGaT Center For Human Genetics Tuebingen Variant Classification Criteria Version 2. Collection method: clinical testing. Allele origin: germline. Affected: yes. Observed: 2 variant alleles.

Ambry Genetics
Classification: Uncertain significance for Inborn genetic diseases. Last evaluated: 2021-08-16. Review status: criteria provided, single submitter. Criteria: Ambry Variant Classification Scheme 2023. Collection method: clinical testing. Allele origin: germline.

Eurofins Ntd Llc (ga)
Classification: Uncertain significance. Last evaluated: 2017-01-04. Review status: criteria provided, single submitter. Criteria: EGL Classification Definitions 2015. Collection method: clinical testing. Allele origin: germline. Observed: 2 variant alleles, 2 heterozygotes.

NM_201384.3(PLEC):c.6830C>T (p.Ala2277Val)

Gene: PLEC (plectin; minus strand). Cytogenetic location: 8q24.3.
Variant type: single nucleotide variant.
Coding change: c.6830C>T on transcript NM_201384.3 (MANE Select); coding-DNA position 6830, C replaced by T.
Protein change: p.Ala2277Val; replaces alanine 2277 with valine.
Molecular consequence: missense variant.
Genome position (GRCh38, 1-based): chr8:143,923,099, G>A on the plus strand (C>T on the coding strand, the complement: PLEC is on the minus strand). VCF-style: chr8-143923099-G-A. GRCh37 (hg19) VCF-style: chr8-144997267-G-A.
Other names: c.6911C>T, p.Ala2304Val (NM_000445.5); c.6788C>T, p.Ala2263Val (NM_201378.4); c.6764C>T, p.Ala2255Val (NM_201379.3); c.7241C>T, p.Ala2414Val (NM_201380.4); c.6734C>T, p.Ala2245Val (NM_201381.3); c.6830C>T, p.Ala2277Val (NM_201382.4); c.6842C>T, p.Ala2281Val (NM_201383.3); c.6911C>T (NM_000445.3); short protein forms A2245V, A2255V, A2263V, A2277V, A2281V, A2304V, A2414V.
Identifiers: ClinVar variation 497050 (VCV000497050.35), dbSNP rs781888752, ClinGen allele CA4925840.
Genomic context (GRCh38, chr8:143,923,099, plus strand): 5'-GCCAGCTGCCGCAGTCGCGCAGCCTCTTGGGCCGCCACACTCAGCCGCGCGGCCTCCTCC[G>A]CCACCTGCTTCATCTTCTCAGCCTCCTCCTGCAGGAAGCGCTGCGTATTGTCCTTGTCAC-3'
Protein context (NP_958786.1, residues 2267-2287): QEEAEKMKQV[Ala2277Val]EEAARLSVAA